The following is an entry in ClinVar:

NM_000414.4(HSD17B4):c.818G>A (p.Trp273Ter)

Gene: HSD17B4 (hydroxysteroid 17-beta dehydrogenase 4; plus strand). Cytogenetic location: 5q23.1.
Variant type: single nucleotide variant.
Coding change: c.818G>A on transcript NM_000414.4 (MANE Select); coding-DNA position 818, G replaced by A.
Protein change: p.Trp273Ter; replaces tryptophan 273 with a stop codon.
Molecular consequence: nonsense. On other transcripts: non-coding transcript variant (2).
Genome position (GRCh38, 1-based): chr5:119,493,896, G>A. VCF-style: chr5-119493896-G-A. GRCh37 (hg19) VCF-style: chr5-118829591-G-A.
Other names: c.893G>A, p.Trp298Ter (NM_001199291.3); c.764G>A, p.Trp255Ter (NM_001199292.2); c.746G>A, p.Trp249Ter (NM_001292027.2); c.398G>A, p.Trp133Ter (NM_001292028.2); c.809G>A, p.Trp270Ter (NM_001374497.1); c.818G>A, p.Trp273Ter (NM_001374498.1); c.491G>A, p.Trp164Ter (NM_001374499.1); c.377G>A, p.Trp126Ter (NM_001374500.1); and 1 more; short protein forms W136*, W273*, W126*, W164*, W249*, W298*, W133*, W255*.
Identifiers: ClinVar variation 2938593 (VCV002938593.3), dbSNP rs1291377611, ClinGen allele CA360867308.

ClinVar aggregate classification (germline): Pathogenic (1 of 4 stars; one submission).

Conditions:
Perrault syndrome. Also called: Gonadal dysgenesis with auditory dysfunction, autosomal recessive inheritance. Identifiers: Orphanet 2855, MedGen C0685838, MONDO:0017312.
Bifunctional peroxisomal enzyme deficiency (DBIF). Also called: DBP DEFICIENCY; PBFE DEFICIENCY; D-bifunctional protein deficiency. Identifiers: Orphanet 300, MedGen C0342870, MONDO:0009855, OMIM 261515. Disease mechanism: loss of function.

Submission:

Labcorp Genetics (formerly Invitae), Labcorp
Classification: Pathogenic for Perrault syndrome; Bifunctional peroxisomal enzyme deficiency. Last evaluated: 2023-10-22. Review status: criteria provided, single submitter. Criteria: Invitae Variant Classification Sherloc (09022015). Collection method: clinical testing. Allele origin: germline.
Comment: This sequence change creates a premature translational stop signal (p.Trp273*) in the HSD17B4 gene. It is expected to result in an absent or disrupted protein product. Loss-of-function variants in HSD17B4 are known to be pathogenic (PMID: 11810648, 16385454, 20673864). This variant is not present in population databases (gnomAD no frequency). This variant has not been reported in the literature in individuals affected with HSD17B4-related conditions. For these reasons, this variant has been classified as Pathogenic.

Literature cited by the submitters: PubMed 11810648; PubMed 16385454; PubMed 20673864.